The following is an entry in ClinVar:

ClinVar aggregate classification (germline): Uncertain significance (1 of 4 stars; one submission).

Conditions:
Familial acute necrotizing encephalopathy (IIAE3). Also called: ENCEPHALOPATHY, ACUTE, INFECTION-INDUCED, SUSCEPTIBILITY TO, 3; Susceptibility to Acute Necrotizing Encephalopathy 1. Identifiers: Orphanet 88619, MedGen C2675556, MONDO:0011953, OMIM 608033.

Submission:

Labcorp Genetics (formerly Invitae), Labcorp
Classification: Uncertain significance for Familial acute necrotizing encephalopathy. Last evaluated: 2019-09-25. Review status: criteria provided, single submitter. Criteria: Invitae Variant Classification Sherloc (09022015). Collection method: clinical testing. Allele origin: germline.
Comment: In summary, the available evidence is currently insufficient to determine the role of this variant in disease. Therefore, it has been classified as a Variant of Uncertain Significance. Algorithms developed to predict the effect of missense changes on protein structure and function (SIFT, PolyPhen-2, Align-GVGD) all suggest that this variant is likely to be tolerated, but these predictions have not been confirmed by published functional studies and their clinical significance is uncertain. This variant has not been reported in the literature in individuals with RANBP2-related conditions. This variant is not present in population databases (ExAC no frequency). This sequence change replaces isoleucine with threonine at codon 1468 of the RANBP2 protein (p.Ile1468Thr). The isoleucine residue is weakly conserved and there is a moderate physicochemical difference between isoleucine and threonine.

NM_006267.5(RANBP2):c.4403T>C (p.Ile1468Thr)

Gene: RANBP2 (RAN binding protein 2; plus strand). Cytogenetic location: 2q13.
Variant type: single nucleotide variant.
Coding change: c.4403T>C on transcript NM_006267.5 (MANE Select); coding-DNA position 4403, T replaced by C.
Protein change: p.Ile1468Thr; replaces isoleucine 1468 with threonine.
Molecular consequence: missense variant.
Genome position (GRCh38, 1-based): chr2:108,764,942, T>C. VCF-style: chr2-108764942-T-C. GRCh37 (hg19) VCF-style: chr2-109381398-T-C.
Other names: short protein forms I1468T.
Identifiers: ClinVar variation 957370 (VCV000957370.10), dbSNP rs1677010120, ClinGen allele CA348066652.